The following is an entry in ClinVar:

NM_138801.3(GALM):c.972G>C (p.Leu324=)

Gene: GALM (galactose mutarotase; plus strand). Cytogenetic location: 2p22.1.
Variant type: single nucleotide variant.
Coding change: c.972G>C on transcript NM_138801.3 (MANE Select); coding-DNA position 972, G replaced by C.
Protein change: p.Leu324=; no amino-acid change (leucine 324 retained).
Molecular consequence: synonymous variant.
Genome position (GRCh38, 1-based): chr2:38,733,508, G>C. VCF-style: chr2-38733508-G-C. GRCh37 (hg19) VCF-style: chr2-38960650-G-C.
Identifiers: ClinVar variation 3049733 (VCV003049733.2), dbSNP rs1209653220, ClinGen allele CA425707257.

ClinVar aggregate classification (germline): Likely benign (0 of 4 stars; one submission).

Conditions:
GALM-related disorder. Also called: GALM-related condition.

Allele frequency attached by ClinVar (database versions not stated): gnomAD exomes below 0.00001.
gnomAD v4.1: 3 of 1,613,954 alleles (0.00019%); highest among the groups gnomAD compares: Non-Finnish European, 0.00025%; no homozygotes.

Submission:

PreventionGenetics, part of Exact Sciences
Classification: Likely benign for GALM-related condition. Last evaluated: 2019-07-23. Review status: no assertion criteria provided. Collection method: clinical testing. Allele origin: germline.
Comment: This variant is classified as likely benign based on ACMG/AMP sequence variant interpretation guidelines (Richards et al. 2015 PMID: 25741868, with internal and published modifications).